The following is an entry in ClinVar:

ClinVar aggregate classification (germline): Pathogenic (1 of 4 stars; one submission).

Conditions:
Walker-Warburg congenital muscular dystrophy. Also called: Muscular dystrophy-dystroglycanopathy, type A; Walker-Warburg syndrome. Identifiers: Orphanet 899, MedGen C0265221, MONDO:0000171.

Allele frequency attached by ClinVar (database versions not stated): gnomAD exomes below 0.00001.
gnomAD v4.1: 1 of 1,577,920 alleles (0.000063%); highest among the groups gnomAD compares: Non-Finnish European, 0.000087%; no homozygotes.

Submission:

Labcorp Genetics (formerly Invitae), Labcorp
Classification: Pathogenic for Walker-Warburg congenital muscular dystrophy. Last evaluated: 2020-03-17. Review status: criteria provided, single submitter. Criteria: Invitae Variant Classification Sherloc (09022015). Collection method: clinical testing. Allele origin: germline.
Comment: For these reasons, this variant has been classified as Pathogenic. Loss-of-function variants in FKTN are known to be pathogenic (PMID: 17044012, 17878207, 18752264). This variant has been observed in individual(s) with FKTN-related conditions (PMID: 15833426). This variant is not present in population databases (ExAC no frequency). This sequence change creates a premature translational stop signal (p.Trp305*) in the FKTN gene. It is expected to result in an absent or disrupted protein product.

Literature cited by the submitters: PubMed 17044012; PubMed 17878207; PubMed 18752264; PubMed 15833426.

NM_001079802.2(FKTN):c.914G>A (p.Trp305Ter)

Gene: FKTN (fukutin; plus strand). Cytogenetic location: 9q31.2.
Variant type: single nucleotide variant.
Coding change: c.914G>A on transcript NM_001079802.2 (MANE Select); coding-DNA position 914, G replaced by A.
Protein change: p.Trp305Ter; replaces tryptophan 305 with a stop codon.
Molecular consequence: nonsense. On other transcripts: non-coding transcript variant (1).
Genome position (GRCh38, 1-based): chr9:105,617,962, G>A. VCF-style: chr9-105617962-G-A. GRCh37 (hg19) VCF-style: chr9-108380243-G-A.
Other names: c.914G>A, p.Trp305Ter (NM_001198963.2, NM_001351496.2, NM_001351498.2 and 1 more transcripts); c.845G>A, p.Trp282Ter (NM_001351497.2); c.518G>A, p.Trp173Ter (NM_001351499.2, NM_001351500.2, NM_001351501.2 and 1 more transcripts); short protein forms W173*, W282*, W305*.
Identifiers: ClinVar variation 1070650 (VCV001070650.9), dbSNP rs2133160637, ClinGen allele CA374377382.